The following is an entry in ClinVar:

ClinVar aggregate classification (germline): Uncertain significance (1 of 4 stars; one submission).

Conditions:
Sandestig-stefanova syndrome. Identifiers: MedGen C5394118, MONDO:0032926, OMIM 618804.

Allele frequency attached by ClinVar (database versions not stated): ExAC 0.00001; TOPMed 0.00001.
gnomAD v4.1: 6 of 1,614,218 alleles (0.00037%); highest among the groups gnomAD compares: African/African-American, 0.0013%; no homozygotes.

Submission:

Victorian Clinical Genetics Services, Murdoch Childrens Research Institute
Classification: Uncertain significance for Sandestig-stefanova syndrome. Last evaluated: 2023-12-20. Review status: criteria provided, single submitter. Criteria: ACMG Guidelines, 2015. Collection method: clinical testing. Allele origin: germline. Inheritance: Autosomal recessive inheritance. Affected: yes.
Comment: Based on the classification scheme VCGS_Germline_v1.3.4, this variant is classified as VUS-3B. Following criteria are met: 0102 - Loss of function is a known mechanism of disease in this gene and is associated with Sandestig-Stefanova syndrome (MIM#618804). (I) 0106 - This gene is associated with autosomal recessive disease. (I) 0200 - Variant is predicted to result in a missense amino acid change from proline to leucine. (I) 0251 - This variant is heterozygous. (I) 0304 - Variant is present in gnomAD (v2) <0.01 for a recessive condition (1 heterozygote, 0 homozygotes). (SP) 0309 - An alternative amino acid change at the same position has been observed in gnomAD (v2) (1 heterozygote, 0 homozygotes). (I) 0503 - Missense variant consistently predicted to be tolerated by multiple in silico tools or not conserved in placental mammals with a minor amino acid change. (SB) 0604 - Variant is not located in an established domain, motif, hotspot or informative constraint region. (I) 0705 - No comparable missense variants have previous evidence for pathogenicity. (I) 0807 - This variant has no previous evidence of pathogenicity. (I) 0905 - No published segregation evidence has been identified for this variant. (I) 1007 - No published functional evidence has been identified for this variant. (I) Legend: (SP) - Supporting pathogenic, (I) - Information, (SB) - Supporting benign

NM_015354.3(NUP188):c.5153C>T (p.Pro1718Leu)

Gene: NUP188 (nucleoporin 188; plus strand). Cytogenetic location: 9q34.11.
Variant type: single nucleotide variant.
Coding change: c.5153C>T on transcript NM_015354.3 (MANE Select); coding-DNA position 5153, C replaced by T.
Protein change: p.Pro1718Leu; replaces proline 1718 with leucine.
Molecular consequence: missense variant.
Genome position (GRCh38, 1-based): chr9:129,006,581, C>T. VCF-style: chr9-129006581-C-T. GRCh37 (hg19) VCF-style: chr9-131768860-C-T.
Other names: short protein forms P1718L.
Identifiers: ClinVar variation 3254588 (VCV003254588.1), dbSNP rs564506539.
Genomic context (GRCh38, chr9:129,006,581, plus strand): 5'-TCTCGCGCTACTTCCGCCGGGGAGCCCCCAGCTCCCCTGCCACTGGTGTCCTCCCCTCGC[C>T]GCAGGGCAAGTCCACCTCTCTCTCCAAAGCCAGCCCTGAGAGTCAGGAGCCTCTGATCCA-3'
Protein context (NP_056169.1, residues 1708-1728): SSPATGVLPS[Pro1718Leu]QGKSTSLSKA